The following is an entry in ClinVar:

NM_001164508.2(NEB):c.1736C>T (p.Ala579Val)

Gene: NEB (nebulin; minus strand). Cytogenetic location: 2q23.3.
Variant type: single nucleotide variant.
Coding change: c.1736C>T on transcript NM_001164508.2 (MANE Select); coding-DNA position 1736, C replaced by T.
Protein change: p.Ala579Val; replaces alanine 579 with valine.
Molecular consequence: missense variant.
Genome position (GRCh38, 1-based): chr2:151,694,568, G>A on the plus strand (C>T on the coding strand, the complement: NEB is on the minus strand). VCF-style: chr2-151694568-G-A. GRCh37 (hg19) VCF-style: chr2-152551082-G-A.
Other names: c.1736C>T, p.Ala579Val (NM_001164507.2, NM_001271208.2, NM_004543.5); short protein forms A579V.
Identifiers: ClinVar variation 1055390 (VCV001055390.9), dbSNP rs2099581961, ClinGen allele CA348824644.

ClinVar aggregate classification (germline): Uncertain significance (1 of 4 stars; one submission).

Conditions:
Nemaline myopathy 2 (NEM2). Also called: Nemaline myopathy 2, autosomal recessive. Identifiers: MedGen C1850569, MONDO:0009725, OMIM 256030.

Allele frequency attached by ClinVar (database versions not stated): gnomAD 0.00001.
gnomAD v4.1: 1 of 1,610,162 alleles (0.000062%); highest among the groups gnomAD compares: Admixed American, 0.0017%; no homozygotes.

Submission:

Labcorp Genetics (formerly Invitae), Labcorp
Classification: Uncertain significance for Nemaline myopathy 2. Last evaluated: 2022-10-25. Review status: criteria provided, single submitter. Criteria: Invitae Variant Classification Sherloc (09022015). Collection method: clinical testing. Allele origin: germline.
Comment: This sequence change replaces alanine, which is neutral and non-polar, with valine, which is neutral and non-polar, at codon 579 of the NEB protein (p.Ala579Val). This variant is not present in population databases (gnomAD no frequency). This variant has not been reported in the literature in individuals affected with NEB-related conditions. ClinVar contains an entry for this variant (Variation ID: 1055390). Algorithms developed to predict the effect of missense changes on protein structure and function are either unavailable or do not agree on the potential impact of this missense change (SIFT: "Deleterious"; PolyPhen-2: "Not Available"; Align-GVGD: "Class C0"). In summary, the available evidence is currently insufficient to determine the role of this variant in disease. Therefore, it has been classified as a Variant of Uncertain Significance.